The following is an entry in ClinVar:

ClinVar aggregate classification (germline): Likely benign (1 of 4 stars; one submission).

Allele frequency attached by ClinVar (database versions not stated): gnomAD exomes below 0.00001; gnomAD 0.00002; TOPMed 0.00002.
gnomAD v4.1: 7 of 1,208,743 alleles (0.00058%); highest among the groups gnomAD compares: Non-Finnish European, 0.00078%; no homozygotes.

Submission:

CeGaT Center for Human Genetics Tuebingen
Classification: Likely benign. Last evaluated: 2023-01-01. Review status: criteria provided, single submitter. Criteria: CeGaT Center For Human Genetics Tuebingen Variant Classification Criteria Version 2. Collection method: clinical testing. Allele origin: germline. Affected: yes. Observed: 1 variant allele.
Comment: SYTL4: BP4

NM_001370165.1(SYTL4):c.1965A>G (p.Glu655=)

Gene: SYTL4 (synaptotagmin like 4; minus strand). Cytogenetic location: Xq22.1.
Variant type: single nucleotide variant.
Coding change: c.1965A>G on transcript NM_001370165.1 (MANE Select); coding-DNA position 1965, A replaced by G.
Protein change: p.Glu655=; no amino-acid change (glutamic acid 655 retained).
Molecular consequence: synonymous variant. On other transcripts: 3 prime UTR variant (1).
Genome position (GRCh38, 1-based): chrX:100,676,079, T>C on the plus strand (A>G on the coding strand, the complement: SYTL4 is on the minus strand). VCF-style: chrX-100676079-T-C. GRCh37 (hg19) VCF-style: chrX-99931076-T-C.
Other names: c.1965A>G, p.Glu655= (NM_001129896.3, NM_001174068.2, NM_001370160.1 and 8 more transcripts); c.*88A>G (NM_001370162.1).
Identifiers: ClinVar variation 2661037 (VCV002661037.24), dbSNP rs1040530389, ClinGen allele CA333061315.
Genomic context (GRCh38, chrX:100,676,079, plus strand): 5'-GACAGGGACTCATAAACCCAGCTTCTGCTTGGCCATTGAGGAACGGAGCTGCAGAGTCCC[T>C]TCTGCCCAAGACCCTGGGTACTGTCGCATCTTCTGCCACAGGCTCACTTCTTCCCCAGTC-3'
Protein context (NP_001357094.1, residues 645-665): KMRQYPGSWA[Glu655=]GTLQLRSSMA